The following is an entry in ClinVar:

ClinVar aggregate classification (germline): Pathogenic (1 of 4 stars; one submission).

Conditions:
POLG-related disorder. Also called: POLG-Related Spectrum Disorders; POLG-related condition; POLG-Related Disorders. Identifiers: MedGen C4763519.

Submission:

Myriad Genetics, Inc.
Classification: Pathogenic for POLG-related disorder. Last evaluated: 2025-08-18. Review status: criteria provided, single submitter. Criteria: Myriad Autosomal Dominant, Autosomal Recessive and X-Linked Classification Criteria (2023). Collection method: clinical testing. Allele origin: unknown.
Comment: NM_002693.2(POLG):c.1098delG(P367Lfs*3) is expected to be pathogenic in the context of POLG-related disorders. This variant is predicted to lead to an abnormal or absent protein product due to the creation of a premature termination codon in POLG, a gene where loss-of-function variants are known to be pathogenic. Please note: this variant was assessed in the context of healthy population screening.

NM_002693.3(POLG):c.1098del (p.Pro367fs)

Gene: POLG (DNA polymerase gamma, catalytic subunit; minus strand). Cytogenetic location: 15q26.1.
Variant type: Deletion.
Coding change: c.1098del on transcript NM_002693.3 (MANE Select); coding-DNA position 1098, one base deleted (G; older notation c.1098delG).
Protein change: p.Pro367fs; shifts the reading frame from proline 367.
Molecular consequence: frameshift variant.
Genome position (GRCh38, 1-based): chr15:89,328,757, C deleted on the plus strand (G on the coding strand, the reverse complement: POLG is on the minus strand); the first of 6 consecutive C bases (chr15:89,328,757-89,328,762); deleting any one gives the same sequence. VCF-style (leftmost placement, unchanged base first): chr15-89328756-GC-G. GRCh37 (hg19) VCF-style: chr15-89871987-GC-G.
Other names: c.1098del, p.Pro367fs (NM_001126131.2); short protein forms P367fs.
Identifiers: ClinVar variation 5014884 (VCV005014884.1).